The following is an entry in ClinVar:

NM_015178.3(RHOBTB2):c.595G>A (p.Val199Ile)

Gene: RHOBTB2 (Rho related BTB domain containing 2; plus strand). Cytogenetic location: 8p21.3.
Variant type: single nucleotide variant.
Coding change: c.595G>A on transcript NM_015178.3 (MANE Select); coding-DNA position 595, G replaced by A.
Protein change: p.Val199Ile; replaces valine 199 with isoleucine.
Molecular consequence: missense variant.
Genome position (GRCh38, 1-based): chr8:23,006,840, G>A. VCF-style: chr8-23006840-G-A. GRCh37 (hg19) VCF-style: chr8-22864353-G-A.
Other names: c.661G>A, p.Val221Ile (NM_001160036.2); c.616G>A, p.Val206Ile (NM_001160037.2); c.595G>A, p.Val199Ile (NM_001374791.1); short protein forms V199I, V206I, V221I.
Identifiers: ClinVar variation 1490696 (VCV001490696.6), dbSNP rs769022145, ClinGen allele CA4672490.
Genomic context (GRCh38, chr8:23,006,840, plus strand): 5'-AAGGAGCTGGGCATCCCCTACTATGAGACCAGCGTGGTGGCCCAGTTCGGCATCAAGGAC[G>A]TCTTTGACAACGCCATCCGAGCTGCACTCATCTCCCGCCGCCACCTGCAGTTCTGGAAGT-3'
Protein context (NP_055993.2, residues 189-209): SVVAQFGIKD[Val199Ile]FDNAIRAALI

ClinVar aggregate classification (germline): Uncertain significance (1 of 4 stars; one submission).

Allele frequency attached by ClinVar (database versions not stated): gnomAD 0.00001; gnomAD exomes 0.00001; ExAC 0.00002; TOPMed 0.00002.
gnomAD v4.1: 20 of 1,614,016 alleles (0.0012%); highest among the groups gnomAD compares: Middle Eastern, 0.016%; no homozygotes.

Submission:

Labcorp Genetics (formerly Invitae), Labcorp
Classification: Uncertain significance. Last evaluated: 2024-11-11. Review status: criteria provided, single submitter. Criteria: Invitae Variant Classification Sherloc (09022015). Collection method: clinical testing. Allele origin: germline.
Comment: This sequence change replaces valine, which is neutral and non-polar, with isoleucine, which is neutral and non-polar, at codon 221 of the RHOBTB2 protein (p.Val221Ile). This variant is present in population databases (rs769022145, gnomAD 0.003%). This variant has not been reported in the literature in individuals affected with RHOBTB2-related conditions. ClinVar contains an entry for this variant (Variation ID: 1490696). Invitae Evidence Modeling of protein sequence and biophysical properties (such as structural, functional, and spatial information, amino acid conservation, physicochemical variation, residue mobility, and thermodynamic stability) indicates that this missense variant is not expected to disrupt RHOBTB2 protein function with a negative predictive value of 80%. In summary, the available evidence is currently insufficient to determine the role of this variant in disease. Therefore, it has been classified as a Variant of Uncertain Significance.